The following is an entry in ClinVar:

ClinVar aggregate classification (germline): Uncertain significance (1 of 4 stars; one submission).

gnomAD v4.1: 27 of 1,614,050 alleles (0.0017%); highest among the groups gnomAD compares: African/African-American, 0.035%; no homozygotes.

Submission:

Ambry Genetics
Classification: Uncertain significance. Last evaluated: 2026-05-06. Review status: criteria provided, single submitter. Criteria: Ambry Variant Classification Scheme 2023. Collection method: clinical testing. Allele origin: germline.
Comment: The c.663G>T (p.Q221H) alteration is located in exon 9 (coding exon 7) of the WDR31 gene. This alteration results from a G to T substitution at nucleotide position 663, causing the glutamine (Q) at amino acid position 221 to be replaced by a histidine (H). Based on data from gnomAD, the T allele has an overall frequency of 0.005% (15/282612) total alleles studied. The highest observed frequency was 0.056% (14/24970) of African alleles. Based on insufficient or conflicting evidence, the clinical significance of this alteration remains unclear.

NM_001012361.4(WDR31):c.663G>T (p.Gln221His)

Gene: WDR31 (WD repeat domain 31; minus strand). Cytogenetic location: 9q32.
Variant type: single nucleotide variant.
Coding change: c.663G>T on transcript NM_001012361.4 (MANE Select); coding-DNA position 663, G replaced by T.
Protein change: p.Gln221His; replaces glutamine 221 with histidine.
Molecular consequence: missense variant. On other transcripts: non-coding transcript variant (1).
Genome position (GRCh38, 1-based): chr9:113,320,474, C>A on the plus strand (G>T on the coding strand, the complement: WDR31 is on the minus strand). VCF-style: chr9-113320474-C-A. GRCh37 (hg19) VCF-style: chr9-116082754-C-A.
Other names: c.288G>T, p.Gln96His (NM_001006615.3); c.660G>T, p.Gln220His (NM_145241.5); short protein forms Q220H, Q221H, Q96H.
Identifiers: ClinVar variation 4866489 (VCV004866489.1).